The following is an entry in ClinVar:

NM_001048174.2(MUTYH):c.388A>G (p.Thr130Ala)

Gene: MUTYH (mutY DNA glycosylase; minus strand). Cytogenetic location: 1p34.1.
Variant type: single nucleotide variant.
Coding change: c.388A>G on transcript NM_001048174.2 (MANE Select); coding-DNA position 388, A replaced by G.
Protein change: p.Thr130Ala; replaces threonine 130 with alanine.
Molecular consequence: missense variant. On other transcripts: non-coding transcript variant (2).
Genome position (GRCh38, 1-based): chr1:45,332,950, T>C on the plus strand (A>G on the coding strand, the complement: MUTYH is on the minus strand). VCF-style: chr1-45332950-T-C. GRCh37 (hg19) VCF-style: chr1-45798622-T-C.
Other names: c.388A>G, p.Thr130Ala (NM_001048171.2, NM_001048173.2, NM_001293195.2); c.391A>G, p.Thr131Ala (NM_001048172.2); c.472A>G, p.Thr158Ala (NM_001128425.2); c.433A>G, p.Thr145Ala (NM_001293190.2); c.421A>G, p.Thr141Ala (NM_001293191.2); c.112A>G, p.Thr38Ala (NM_001293192.2, NM_001293196.2); c.43A>G, p.Thr15Ala (NM_001350650.2, NM_001350651.2); c.463A>G, p.Thr155Ala (NM_012222.3); short protein forms T145A, T158A, T38A, T130A, T141A, T155A, T131A, T15A.
Identifiers: ClinVar variation 924634 (VCV000924634.5), dbSNP rs1645229700, ClinGen allele CA340136000.

ClinVar aggregate classification (germline): Uncertain significance. Review status: criteria provided, multiple submitters, no conflicts (2 of 4 stars). 2 submissions from 2 submitters: Uncertain significance (2). Last evaluated 2024-12-04.

Conditions:
Hereditary cancer-predisposing syndrome. Also called: Neoplastic Syndromes, Hereditary; Tumor predisposition; Hereditary Cancer Syndrome; Hereditary neoplastic syndrome. Identifiers: Orphanet 140162, MedGen C0027672, MeSH D009386, MONDO:0015356.

Allele frequency attached by ClinVar (database versions not stated): TOPMed below 0.00001.

Submissions (2):

Ambry Genetics
Classification: Uncertain significance for Hereditary cancer-predisposing syndrome. Last evaluated: 2024-12-04. Review status: criteria provided, single submitter. Criteria: Ambry Variant Classification Scheme 2023. Collection method: clinical testing. Allele origin: germline.
Comment: The p.T158A variant (also known as c.472A>G), located in coding exon 6 of the MUTYH gene, results from an A to G substitution at nucleotide position 472. The threonine at codon 158 is replaced by alanine, an amino acid with similar properties. This amino acid position is highly conserved in available vertebrate species. In addition, this alteration is predicted to be deleterious by in silico analysis. Based on the available evidence, the clinical significance of this variant remains unclear.

Color Diagnostics, LLC DBA Color Health
Classification: Uncertain significance for Hereditary cancer-predisposing syndrome. Last evaluated: 2023-12-04. Review status: criteria provided, single submitter. Criteria: ACMG Guidelines, 2015. Collection method: clinical testing. Allele origin: germline.
Comment: This missense variant replaces threonine with alanine at codon 158 of the MUTYH protein. Computational prediction suggests that this variant may have deleterious impact on protein structure and function (internally defined REVEL score threshold >= 0.7, PMID: 27666373). To our knowledge, functional studies have not been reported for this variant. This variant has not been reported in individuals affected with MUTYH-related disorders in the literature. This variant has not been identified in the general population by the Genome Aggregation Database (gnomAD). The available evidence is insufficient to determine the role of this variant in disease conclusively. Therefore, this variant is classified as a Variant of Uncertain Significance.